The following is an entry in ClinVar:

ClinVar aggregate classification (germline): Uncertain significance. Review status: criteria provided, multiple submitters, no conflicts (2 of 4 stars). 3 submissions from 3 submitters: Uncertain significance (3). Last evaluated 2024-11-18.

Allele frequency attached by ClinVar (database versions not stated): gnomAD exomes 0.00002 and 0.00004; ExAC 0.00005; TOPMed 0.00012; ESP Exome Variant Server 0.00015; gnomAD 0.00017 and 0.00018.
gnomAD v4.1: 60 of 1,609,792 alleles (0.0037%); highest among the groups gnomAD compares: African/African-American, 0.04%; no homozygotes.

Submissions (3):

Labcorp Genetics (formerly Invitae), Labcorp
Classification: Uncertain significance. Last evaluated: 2024-11-18. Review status: criteria provided, single submitter. Criteria: Invitae Variant Classification Sherloc (09022015). Collection method: clinical testing. Allele origin: germline.
Comment: This sequence change replaces arginine, which is basic and polar, with tryptophan, which is neutral and slightly polar, at codon 985 of the CEP250 protein (p.Arg985Trp). This variant is present in population databases (rs369079762, gnomAD 0.05%). This variant has not been reported in the literature in individuals affected with CEP250-related conditions. ClinVar contains an entry for this variant (Variation ID: 934854). An algorithm developed to predict the effect of missense changes on protein structure and function (PolyPhen-2) suggests that this variant is likely to be disruptive. In summary, the available evidence is currently insufficient to determine the role of this variant in disease. Therefore, it has been classified as a Variant of Uncertain Significance.

Blueprint Genetics
Classification: Uncertain significance. Last evaluated: 2024-04-22. Review status: criteria provided, single submitter. Criteria: ACMG Guidelines, 2015. Collection method: clinical testing. Allele origin: germline.

Ambry Genetics
Classification: Uncertain significance. Last evaluated: 2023-12-26. Review status: criteria provided, single submitter. Criteria: Ambry Variant Classification Scheme 2023. Collection method: clinical testing. Allele origin: germline.

NM_007186.6(CEP250):c.2953C>T (p.Arg985Trp)

Gene: CEP250 (centrosomal protein 250; plus strand). Cytogenetic location: 20q11.22.
Variant type: single nucleotide variant.
Coding change: c.2953C>T on transcript NM_007186.6 (MANE Select); coding-DNA position 2953, C replaced by T.
Protein change: p.Arg985Trp; replaces arginine 985 with tryptophan.
Molecular consequence: missense variant.
Genome position (GRCh38, 1-based): chr20:35,493,492, C>T. VCF-style: chr20-35493492-C-T. GRCh37 (hg19) VCF-style: chr20-34081319-C-T.
Other names: c.1057C>T, p.Arg353Trp (NM_001318219.1); c.2953C>T (NM_007186.3); short protein forms R353W, R985W.
Identifiers: ClinVar variation 934854 (VCV000934854.8), dbSNP rs369079762, ClinGen allele CA9833338.